The following is an entry in ClinVar:

NM_005751.5(AKAP9):c.8569C>T (p.His2857Tyr)

Gene: AKAP9 (A-kinase anchoring protein 9; plus strand). Cytogenetic location: 7q21.2.
Variant type: single nucleotide variant.
Coding change: c.8569C>T on transcript NM_005751.5 (MANE Select); coding-DNA position 8569, C replaced by T.
Protein change: p.His2857Tyr; replaces histidine 2857 with tyrosine.
Molecular consequence: missense variant.
Genome position (GRCh38, 1-based): chr7:92,083,578, C>T. VCF-style: chr7-92083578-C-T. GRCh37 (hg19) VCF-style: chr7-91712892-C-T.
Other names: c.3214C>T, p.His1072Tyr (NM_001379277.1); c.8545C>T, p.His2849Tyr (NM_147185.3); short protein forms H1072Y, H2849Y, H2857Y.
Identifiers: ClinVar variation 4868945 (VCV004868945.1).

ClinVar aggregate classification (germline): Uncertain significance (1 of 4 stars; one submission).

Conditions:
Cardiovascular phenotype. Identifiers: MedGen CN230736.

gnomAD v4.1: 5 of 1,601,204 alleles (0.00031%); highest among the groups gnomAD compares: African/African-American, 0.0068%; no homozygotes.

Submission:

Ambry Genetics
Classification: Uncertain significance for Cardiovascular phenotype. Last evaluated: 2026-04-12. Review status: criteria provided, single submitter. Criteria: Ambry Variant Classification Scheme 2023. Collection method: clinical testing. Allele origin: germline.
Comment: The p.H2857Y variant (also known as c.8569C>T), located in coding exon 33 of the AKAP9 gene, results from a C to T substitution at nucleotide position 8569. The histidine at codon 2857 is replaced by tyrosine, an amino acid with similar properties. This amino acid position is conserved. In addition, this alteration is predicted to be tolerated by in silico analysis. Based on the available evidence, the clinical significance of this variant remains unclear.